The following is an entry in ClinVar:

NM_021930.6(RINT1):c.1038C>G (p.Asn346Lys)

Gene: RINT1 (RAD50 interactor 1; plus strand). Cytogenetic location: 7q22.3.
Variant type: single nucleotide variant.
Coding change: c.1038C>G on transcript NM_021930.6 (MANE Select); coding-DNA position 1038, C replaced by G.
Protein change: p.Asn346Lys; replaces asparagine 346 with lysine.
Molecular consequence: missense variant. On other transcripts: non-coding transcript variant (1).
Genome position (GRCh38, 1-based): chr7:105,550,096, C>G. VCF-style: chr7-105550096-C-G. GRCh37 (hg19) VCF-style: chr7-105190543-C-G.
Other names: c.804C>G, p.Asn268Lys (NM_001346599.2); c.15C>G, p.Asn5Lys (NM_001346600.2, NM_001346603.2); c.114C>G, p.Asn38Lys (NM_001346601.2); short protein forms N268K, N38K, N5K, N346K.
Identifiers: ClinVar variation 1773122 (VCV001773122.2), dbSNP rs2485131937, ClinGen allele CA368808337.
Genomic context (GRCh38, chr7:105,550,096, plus strand): 5'-TATTTTCCTCCTTCCTTAGCCAGAATGGTACTTGGCTCAAGTACTTATGTGGATTGGAAA[C>G]CATACTGAATTTCTGGATGAGAAGATTCAGCCAATATTAGACAAAGTAGGCTCTTTGGTA-3'
Protein context (NP_068749.3, residues 336-356): YLAQVLMWIG[Asn346Lys]HTEFLDEKIQ

ClinVar aggregate classification (germline): Uncertain significance (1 of 4 stars; one submission).

Submission:

Ambry Genetics
Classification: Uncertain significance. Last evaluated: 2021-01-11. Review status: criteria provided, single submitter. Criteria: Ambry Variant Classification Scheme 2023. Collection method: clinical testing. Allele origin: germline.
Comment: The p.N346K variant (also known as c.1038C>G), located in coding exon 8 of the RINT1 gene, results from a C to G substitution at nucleotide position 1038. The asparagine at codon 346 is replaced by lysine, an amino acid with similar properties. This amino acid position is well conserved in available vertebrate species. In addition, this alteration is predicted to be tolerated by in silico analysis. Since supporting evidence is limited at this time, the clinical significance of this alteration remains unclear.